The following is an entry in ClinVar:

NM_000384.3(APOB):c.11672C>T (p.Ser3891Phe)

Gene: APOB (apolipoprotein B; minus strand). Cytogenetic location: 2p24.1.
Variant type: single nucleotide variant.
Coding change: c.11672C>T on transcript NM_000384.3 (MANE Select); coding-DNA position 11672, C replaced by T.
Protein change: p.Ser3891Phe; replaces serine 3891 with phenylalanine.
Molecular consequence: missense variant.
Genome position (GRCh38, 1-based): chr2:21,005,196, G>A on the plus strand (C>T on the coding strand, the complement: APOB is on the minus strand). VCF-style: chr2-21005196-G-A. GRCh37 (hg19) VCF-style: chr2-21228068-G-A.
Other names: short protein forms S3891F.
Identifiers: ClinVar variation 925129 (VCV000925129.13), dbSNP rs1663093101, ClinGen allele CA345977779.

ClinVar aggregate classification (germline): Uncertain significance (1 of 4 stars; one submission).

Conditions:
Familial hypobetalipoproteinemia 1. Also called: Hypobetalipoproteinemia, normotriglyceridemic; Acanthocytosis with hypobetalipoproteinemia; APOB-Related Familial Hypobetalipoproteinemia. Identifiers: MedGen C4551990, MONDO:0014252, OMIM 615558.
Hypercholesterolemia, autosomal dominant, type B (FHCL2). Also called: Familial Hypercholesterolemia Type B; HYPERCHOLESTEROLEMIA, FAMILIAL, DUE TO LIGAND-DEFECTIVE APOLIPOPROTEIN B; Familial hypercholesterolemia 2; APOB-Related Familial Hypercholesterolemia, Autosomal Dominant; APOLIPOPROTEIN B-100, FAMILIAL DEFECTIVE; APOLIPOPROTEIN B-100, FAMILIAL LIGAND-DEFECTIVE. Identifiers: MedGen C1704417, MONDO:0007751, OMIM 144010.

Submission:

Labcorp Genetics (formerly Invitae), Labcorp
Classification: Uncertain significance for Familial hypobetalipoproteinemia 1; Hypercholesterolemia, autosomal dominant, type B. Last evaluated: 2024-11-25. Review status: criteria provided, single submitter. Criteria: Invitae Variant Classification Sherloc (09022015). Collection method: clinical testing. Allele origin: germline.
Comment: This sequence change replaces serine, which is neutral and polar, with phenylalanine, which is neutral and non-polar, at codon 3891 of the APOB protein (p.Ser3891Phe). This variant is not present in population databases (gnomAD no frequency). This variant has not been reported in the literature in individuals affected with APOB-related conditions. ClinVar contains an entry for this variant (Variation ID: 925129). Invitae Evidence Modeling of protein sequence and biophysical properties (such as structural, functional, and spatial information, amino acid conservation, physicochemical variation, residue mobility, and thermodynamic stability) indicates that this missense variant is not expected to disrupt APOB protein function with a negative predictive value of 95%. In summary, the available evidence is currently insufficient to determine the role of this variant in disease. Therefore, it has been classified as a Variant of Uncertain Significance.